The following is an entry in ClinVar:

ClinVar aggregate classification (germline): Uncertain significance (1 of 4 stars; one submission).

Conditions:
Hereditary cancer-predisposing syndrome. Also called: Tumor predisposition; Hereditary neoplastic syndrome; Hereditary Cancer Syndrome; Neoplastic Syndromes, Hereditary. Identifiers: Orphanet 140162, MedGen C0027672, MeSH D009386, MONDO:0015356.

Submission:

Ambry Genetics
Classification: Uncertain significance for Hereditary cancer-predisposing syndrome. Last evaluated: 2025-03-19. Review status: criteria provided, single submitter. Criteria: Ambry Variant Classification Scheme 2023. Collection method: clinical testing. Allele origin: germline.
Comment: The c.245-1574_245-1573delGAinsTT intronic variant, located in intron 1 of the TMEM127 gene, results from an in-frame from the deletion of two nucleotides and the insertion of two nucleotides at nucleotide position 245-1574. These nucleotide positions are not well conserved on limited sequence alignment. In silico splice site analysis predicts that this alteration may result in the creation or strengthening of a novel splice donor site. RNA studies have demonstrated that this alteration results in a splice defect; the clinical impact of this abnormal splicing is unknown at this time (Ambry internal data). Based on the available evidence, the clinical significance of this variant remains unclear.

NM_017849.4(TMEM127):c.245-1574_245-1573delinsTT

Gene: TMEM127 (transmembrane protein 127; minus strand). Cytogenetic location: 2q11.2.
Variant type: Indel.
Coding change: c.245-1574_245-1573delinsTT on transcript NM_017849.4 (MANE Select); 1574 bases into the intron before coding-DNA position 245 through 1573 bases into the intron before coding-DNA position 245, GA replaced by TT.
Molecular consequence: intron variant.
Genome position (GRCh38, 1-based): chr2:96,256,570-96,256,571, TC replaced by AA on the plus strand (GA replaced by TT on the coding strand, the reverse complement: TMEM127 is on the minus strand). VCF-style: chr2-96256570-TC-AA. GRCh37 (hg19) VCF-style: chr2-96922308-TC-AA.
Other names: c.-8-1574_-8-1573delinsTT (NM_001407283.1, NM_001407282.1); c.245-1574_245-1573delinsTT (NM_001193304.3).
Identifiers: ClinVar variation 3969899 (VCV003969899.1).